The following is an entry in ClinVar:

NM_182961.4(SYNE1):c.4535A>G (p.Gln1512Arg)

Gene: SYNE1 (spectrin repeat containing nuclear envelope protein 1; minus strand). Cytogenetic location: 6q25.2.
Variant type: single nucleotide variant.
Coding change: c.4535A>G on transcript NM_182961.4 (MANE Select); coding-DNA position 4535, A replaced by G.
Protein change: p.Gln1512Arg; replaces glutamine 1512 with arginine.
Molecular consequence: missense variant.
Genome position (GRCh38, 1-based): chr6:152,430,636, T>C on the plus strand (A>G on the coding strand, the complement: SYNE1 is on the minus strand). VCF-style: chr6-152430636-T-C. GRCh37 (hg19) VCF-style: chr6-152751771-T-C.
Other names: c.4556A>G, p.Gln1519Arg (NM_033071.5); short protein forms Q1512R, Q1519R.
Identifiers: ClinVar variation 1389793 (VCV001389793.8), dbSNP rs141597053, ClinGen allele CA150219532.

ClinVar aggregate classification (germline): Uncertain significance (1 of 4 stars; one submission).

Conditions:
Emery-Dreifuss muscular dystrophy 4, autosomal dominant (EDMD4). Also called: EMERY-DREIFUSS MUSCULAR DYSTROPHY 4 WITH VARIABLE FEATURES. Identifiers: Orphanet 261, MedGen C2751807, MONDO:0013071, OMIM 612998.
Autosomal recessive ataxia, Beauce type. Also called: SYNE1-Related Autosomal Recessive Cerebellar Ataxia; Spinocerebellar ataxia, autosomal recessive 8; ATAXIA, RECESSIVE, OF BEAUCE; SYNE1 Deficiency. Identifiers: Orphanet 88644, MedGen C1853116, MONDO:0012549, OMIM 610743.

Allele frequency attached by ClinVar (database versions not stated): ESP Exome Variant Server 0.00008.
gnomAD v4.1: 8 of 1,614,044 alleles (0.0005%); highest among the groups gnomAD compares: Non-Finnish European, 0.00059%; no homozygotes.

Submission:

Labcorp Genetics (formerly Invitae), Labcorp
Classification: Uncertain significance for Emery-Dreifuss muscular dystrophy 4, autosomal dominant; Autosomal recessive ataxia, Beauce type. Last evaluated: 2022-03-18. Review status: criteria provided, single submitter. Criteria: Invitae Variant Classification Sherloc (09022015). Collection method: clinical testing. Allele origin: germline.
Comment: This sequence change replaces glutamine, which is neutral and polar, with arginine, which is basic and polar, at codon 1519 of the SYNE1 protein (p.Gln1519Arg). This variant is not present in population databases (gnomAD no frequency). This variant has not been reported in the literature in individuals affected with SYNE1-related conditions. Algorithms developed to predict the effect of missense changes on protein structure and function are either unavailable or do not agree on the potential impact of this missense change (SIFT: "Deleterious"; PolyPhen-2: "Benign"; Align-GVGD: "Class C0"). In summary, the available evidence is currently insufficient to determine the role of this variant in disease. Therefore, it has been classified as a Variant of Uncertain Significance.